The following is an entry in ClinVar:

ClinVar aggregate classification (germline): Likely benign. Review status: criteria provided, multiple submitters, no conflicts (2 of 4 stars). 2 submissions from 2 submitters: Likely benign (2). Last evaluated 2026-01-05.

gnomAD v4.1: 1,618 of 1,613,398 alleles (0.1%); highest among the groups gnomAD compares: Non-Finnish European, 0.13%; no homozygotes.

Submissions (2):

Labcorp Genetics (formerly Invitae), Labcorp
Classification: Likely benign. Last evaluated: 2026-01-05. Review status: criteria provided, single submitter. Criteria: Invitae Variant Classification Sherloc (09022015). Collection method: clinical testing. Allele origin: germline.

CeGaT Center for Human Genetics Tuebingen
Classification: Likely benign. Last evaluated: 2025-12-01. Review status: criteria provided, single submitter. Criteria: CeGaT Center For Human Genetics Tuebingen Variant Classification Criteria Version 2. Collection method: clinical testing. Allele origin: germline. Affected: yes. Observed: 1 variant allele.
Comment: TSPYL1: BP4

NM_003309.4(TSPYL1):c.757C>T (p.Leu253=)

Genes: DSE (dermatan sulfate epimerase; plus strand), TSPYL1 (TSPY like 1; minus strand). Cytogenetic location: 6q22.1.
Variant type: single nucleotide variant.
Coding change: c.757C>T on transcript NM_003309.4 (MANE Select); coding-DNA position 757, C replaced by T.
Protein change: p.Leu253=; no amino-acid change (leucine 253 retained).
Molecular consequence: synonymous variant. On other transcripts: intron variant (6).
Genome position (GRCh38, 1-based): chr6:116,279,074, G>A on the plus strand (C>T on the coding strand, the complement: TSPYL1 is on the minus strand). VCF-style: chr6-116279074-G-A. GRCh37 (hg19) VCF-style: chr6-116600237-G-A.
Other names: c.-954+20107G>A (NM_001374520.1); c.-54+20107G>A (NM_001322937.2, NM_001322938.2, NM_001374522.1); c.-641+20107G>A (NM_001374521.1); c.-611+20107G>A (NM_001322940.2).
Identifiers: ClinVar variation 3721409 (VCV003721409.7).